The following is an entry in ClinVar:

NM_003590.5(CUL3):c.1544_1547del (p.Thr515fs)

Gene: CUL3 (cullin 3; minus strand). Cytogenetic location: 2q36.2.
Variant type: Deletion.
Coding change: c.1544_1547del on transcript NM_003590.5 (MANE Select); coding-DNA positions 1544 to 1547, 4 bases deleted (CTCA; older notation c.1544_1547delCTCA).
Protein change: p.Thr515fs; shifts the reading frame from threonine 515.
Molecular consequence: frameshift variant.
Genome position (GRCh38, 1-based): chr2:224,500,426-224,500,429, TGAG deleted on the plus strand (CTCA on the coding strand, the reverse complement: CUL3 is on the minus strand); deleting any 4 consecutive bases within chr2:224,500,426-224,500,431 gives the same sequence; the c. name uses the placement nearest the transcript's 3' end. VCF-style (leftmost placement, unchanged base first): chr2-224500425-CTGAG-C. GRCh37 (hg19) VCF-style: chr2-225365142-CTGAG-C.
Other names: c.1346_1349del, p.Thr449fs (NM_001257197.2); c.1562_1565del, p.Thr521fs (NM_001257198.2); short protein forms T515fs, T521fs, T449fs.
Identifiers: ClinVar variation 4008317 (VCV004008317.1).

ClinVar aggregate classification (germline): Pathogenic (1 of 4 stars; one submission).

Conditions:
Inborn genetic diseases. Identifiers: MedGen C0950123, MeSH D030342.

Submission:

Ambry Genetics
Classification: Pathogenic for Inborn genetic diseases. Last evaluated: 2025-05-05. Review status: criteria provided, single submitter. Criteria: Ambry Variant Classification Scheme 2023. Collection method: clinical testing. Allele origin: germline.
Comment: The c.1544_1547delCTCA (p.T515Sfs*25) alteration, located in exon 11 (coding exon 11) of the CUL3 gene, consists of a deletion of 4 nucleotides from position 1544 to 1547, causing a translational frameshift with a predicted alternate stop codon after 25 amino acids. This alteration is expected to result in loss of function by premature protein truncation or nonsense-mediated mRNA decay. for CUL3-related neurodevelopmental disorder; however, its clinical significance for CUL3-related pseudohypoaldosteronism type II is uncertain. This variant was not reported in population-based cohorts in the Genome Aggregation Database (gnomAD). Based on the available evidence, this alteration is classified as pathogenic.